The following is an entry in ClinVar:

ClinVar aggregate classification (germline): Likely pathogenic (1 of 4 stars; one submission).

Submission:

Labcorp Genetics (formerly Invitae), Labcorp
Classification: Likely pathogenic. Last evaluated: 2025-10-13. Review status: criteria provided, single submitter. Criteria: Invitae Variant Classification Sherloc (09022015). Collection method: clinical testing. Allele origin: germline.
Comment: This variant results in the deletion of part of exon 1 (c.221_228+1del) of the SLC46A1 gene. It is expected to disrupt RNA splicing. Variants that disrupt the donor or acceptor splice site typically lead to a loss of protein function (PMID: 16199547), and loss-of-function variants in SLC46A1 are known to be pathogenic (PMID: 17446347, 21333572). This variant is not present in population databases (gnomAD no frequency). This variant has not been reported in the literature in individuals affected with SLC46A1-related conditions. ClinVar contains an entry for this variant (Variation ID: 2816631). In summary, the currently available evidence indicates that the variant is pathogenic, but additional data are needed to prove that conclusively. Therefore, this variant has been classified as Likely Pathogenic.

Literature cited by the submitters: PubMed 16199547; PubMed 17446347; PubMed 21333572.

NM_080669.6(SLC46A1):c.221_228+1del

Gene: SLC46A1 (solute carrier family 46 member 1; minus strand). Cytogenetic location: 17q11.2.
Variant type: Deletion.
Coding change: c.221_228+1del on transcript NM_080669.6 (MANE Select); coding-DNA position 221 through the canonical splice donor site of the intron after coding-DNA position 228, 9 bases deleted (CCATGCAGG; older notation c.221_228+1delCCATGCAGG).
Molecular consequence: splice donor variant.
Genome position (GRCh38, 1-based): chr17:28,405,886-28,405,894, CCTGCATGG deleted on the plus strand (CCATGCAGG on the coding strand, the reverse complement: SLC46A1 is on the minus strand). VCF-style (leftmost placement, unchanged base first): chr17-28405885-ACCTGCATGG-A. GRCh37 (hg19) VCF-style: chr17-26732903-ACCTGCATGG-A.
Other names: c.221_228+1del (NM_001242366.3).
Identifiers: ClinVar variation 2816631 (VCV002816631.3), dbSNP rs2508305134, ClinGen allele CA2739267272.